The following is an entry in ClinVar:

ClinVar aggregate classification (germline): Uncertain significance (1 of 4 stars; one submission).

Submission:

Labcorp Genetics (formerly Invitae), Labcorp
Classification: Uncertain significance. Last evaluated: 2022-02-22. Review status: criteria provided, single submitter. Criteria: Invitae Variant Classification Sherloc (09022015). Collection method: clinical testing. Allele origin: germline.
Comment: In summary, the available evidence is currently insufficient to determine the role of this variant in disease. Therefore, it has been classified as a Variant of Uncertain Significance. Experimental studies and prediction algorithms are not available or were not evaluated, and the functional significance of this variant is currently unknown. This frameshift has been observed in individual(s) with ocular albinism (PMID: 21541274). This variant is not present in population databases (gnomAD no frequency). This sequence change results in a frameshift in the OCA2 gene (p.Val835Trpfs*24). While this is not anticipated to result in nonsense mediated decay, it is expected to disrupt the last 4 amino acid(s) of the OCA2 protein and extend the protein by 19 additional amino acid residues.

Literature cited by the submitters: PubMed 21541274.

NM_000275.3(OCA2):c.2503del (p.Val835fs)

Gene: OCA2 (OCA2 melanosomal transmembrane protein; minus strand). Cytogenetic location: 15q12.
Variant type: Deletion.
Coding change: c.2503del on transcript NM_000275.3 (MANE Select); coding-DNA position 2503, one base deleted (G; older notation c.2503delG).
Protein change: p.Val835fs; shifts the reading frame from valine 835.
Molecular consequence: frameshift variant.
Genome position (GRCh38, 1-based): chr15:27,755,402, C deleted on the plus strand (G on the coding strand, the reverse complement: OCA2 is on the minus strand); the first of 2 consecutive C bases (chr15:27,755,402-27,755,403); deleting either gives the same sequence. VCF-style (leftmost placement, unchanged base first): chr15-27755401-AC-A. GRCh37 (hg19) VCF-style: chr15-28000547-AC-A.
Other names: c.2431del, p.Val811fs (NM_001300984.2); short protein forms V811fs, V835fs.
Identifiers: ClinVar variation 2137621 (VCV002137621.4), dbSNP rs2504083777, ClinGen allele CA2580089155.